The following is an entry in ClinVar:

NM_198129.4(LAMA3):c.9428C>G (p.Ser3143Ter)

Gene: LAMA3 (laminin subunit alpha 3; plus strand). Cytogenetic location: 18q11.2.
Variant type: single nucleotide variant.
Coding change: c.9428C>G on transcript NM_198129.4 (MANE Select); coding-DNA position 9428, C replaced by G.
Protein change: p.Ser3143Ter; replaces serine 3143 with a stop codon.
Molecular consequence: nonsense.
Genome position (GRCh38, 1-based): chr18:23,949,841, C>G. VCF-style: chr18-23949841-C-G. GRCh37 (hg19) VCF-style: chr18-21529805-C-G.
Other names: c.4601C>G, p.Ser1534Ter (NM_000227.6); c.9260C>G, p.Ser3087Ter (NM_001127717.4); c.4433C>G, p.Ser1478Ter (NM_001127718.4); short protein forms S3087*, S1478*, S1534*, S3143*.
Identifiers: ClinVar variation 934458 (VCV000934458.7), dbSNP rs1178486820, ClinGen allele CA402051681.

ClinVar aggregate classification (germline): Pathogenic (1 of 4 stars; one submission).

Allele frequency attached by ClinVar (database versions not stated): gnomAD exomes below 0.00001; gnomAD 0.00001.

Submission:

Labcorp Genetics (formerly Invitae), Labcorp
Classification: Pathogenic. Last evaluated: 2019-09-10. Review status: criteria provided, single submitter. Criteria: Invitae Variant Classification Sherloc (09022015). Collection method: clinical testing. Allele origin: germline.
Comment: This variant has not been reported in the literature in individuals with LAMA3-related conditions. For these reasons, this variant has been classified as Pathogenic. Loss-of-function variants in LAMA3 are known to be pathogenic (PMID: 10366601, 11810295, 12915477, 16473856, 17362460, 23869449, 28087116). This variant is not present in population databases (ExAC no frequency). This sequence change creates a premature translational stop signal (p.Ser1534*) in the LAMA3 gene. It is expected to result in an absent or disrupted protein product.

Literature cited by the submitters: PubMed 10366601; PubMed 11810295; PubMed 12915477; PubMed 16473856; PubMed 17362460; PubMed 23869449; PubMed 28087116.